The following is an entry in ClinVar:

NM_015346.4(ZFYVE26):c.3269T>C (p.Val1090Ala)

Gene: ZFYVE26 (zinc finger FYVE-type containing 26; minus strand). Cytogenetic location: 14q24.1.
Variant type: single nucleotide variant.
Coding change: c.3269T>C on transcript NM_015346.4 (MANE Select); coding-DNA position 3269, T replaced by C.
Protein change: p.Val1090Ala; replaces valine 1090 with alanine.
Molecular consequence: missense variant.
Genome position (GRCh38, 1-based): chr14:67,785,893, A>G on the plus strand (T>C on the coding strand, the complement: ZFYVE26 is on the minus strand). VCF-style: chr14-67785893-A-G. GRCh37 (hg19) VCF-style: chr14-68252610-A-G.
Other names: short protein forms V1090A.
Identifiers: ClinVar variation 1464287 (VCV001464287.8), dbSNP rs2140227607, ClinGen allele CA390172615.

ClinVar aggregate classification (germline): Uncertain significance (1 of 4 stars; one submission).

Conditions:
Spastic paraplegia. Identifiers: MedGen C0037772, HP:0001258.

Submission:

Labcorp Genetics (formerly Invitae), Labcorp
Classification: Uncertain significance for Spastic paraplegia. Last evaluated: 2021-05-31. Review status: criteria provided, single submitter. Criteria: Invitae Variant Classification Sherloc (09022015). Collection method: clinical testing. Allele origin: germline.
Comment: In summary, the available evidence is currently insufficient to determine the role of this variant in disease. Therefore, it has been classified as a Variant of Uncertain Significance. Algorithms developed to predict the effect of missense changes on protein structure and function output the following: SIFT: "Tolerated"; PolyPhen-2: "Benign"; Align-GVGD: "Class C0". The alanine amino acid residue is found in multiple mammalian species, suggesting that this missense change does not adversely affect protein function. These predictions have not been confirmed by published functional studies and their clinical significance is uncertain. This variant has not been reported in the literature in individuals with ZFYVE26-related conditions. This variant is not present in population databases (ExAC no frequency). This sequence change replaces valine with alanine at codon 1090 of the ZFYVE26 protein (p.Val1090Ala). The valine residue is moderately conserved and there is a small physicochemical difference between valine and alanine.